The following is an entry in ClinVar:

NM_002382.5(MAX):c.421A>G (p.Ser141Gly)

Gene: MAX (MYC associated transcriptional regulator X; minus strand). Cytogenetic location: 14q23.3.
Variant type: single nucleotide variant.
Coding change: c.421A>G on transcript NM_002382.5 (MANE Select); coding-DNA position 421, A replaced by G.
Protein change: p.Ser141Gly; replaces serine 141 with glycine.
Molecular consequence: missense variant. On other transcripts: 3 prime UTR variant (12), non-coding transcript variant (7), intron variant (2).
Genome position (GRCh38, 1-based): chr14:65,076,538, T>C on the plus strand (A>G on the coding strand, the complement: MAX is on the minus strand). VCF-style: chr14-65076538-T-C. GRCh37 (hg19) VCF-style: chr14-65543256-T-C.
Other names: c.232A>G, p.Ser78Gly (NM_001320415.2, NM_001407105.1, NM_001407106.1 and 1 more transcripts); c.421A>G, p.Ser141Gly (NM_001407094.1); c.394A>G, p.Ser132Gly (NM_001407095.1, NM_145112.3); c.*194A>G (NM_001407096.1, NM_001407099.1, NM_001407102.1 and 2 more transcripts); c.*210A>G (NM_001407097.1, NM_001407100.1, NM_001407101.1 and 4 more transcripts); c.313A>G, p.Ser105Gly (NM_001407098.1); c.220A>G, p.Ser74Gly (NM_001407111.1, NM_001407112.1); c.144+17170A>G (NM_001271069.2); and 1 more; short protein forms S105G, S78G, S132G, S141G, S74G.
Identifiers: ClinVar variation 5023931 (VCV005023931.1).

ClinVar aggregate classification (germline): Uncertain significance (1 of 4 stars; one submission).

Conditions:
Hereditary cancer-predisposing syndrome. Also called: Neoplastic Syndromes, Hereditary; Tumor predisposition; Hereditary neoplastic syndrome; Hereditary Cancer Syndrome. Identifiers: Orphanet 140162, MedGen C0027672, MeSH D009386, MONDO:0015356.

Submission:

Ambry Genetics
Classification: Uncertain significance for Hereditary cancer-predisposing syndrome. Last evaluated: 2026-07-07. Review status: criteria provided, single submitter. Criteria: Ambry Variant Classification Scheme 2023. Collection method: clinical testing. Allele origin: germline.
Comment: The p.S141G variant (also known as c.421A>G), located in coding exon 5 of the MAX gene, results from an A to G substitution at nucleotide position 421. The serine at codon 141 is replaced by glycine, an amino acid with similar properties. This amino acid position is conserved. In addition, the in silico prediction for this alteration is inconclusive. Based on the available evidence, the clinical significance of this variant remains unclear.